The following is an entry in ClinVar:

NM_001999.3(FBN2):c.-697C>G

Gene: FBN2 (fibrillin 2; minus strand). Cytogenetic location: 5q23.3.
Variant type: single nucleotide variant.
Coding change: c.-697C>G on transcript NM_001999.3; 697 bases upstream of the start codon, C replaced by G.
Genome position (GRCh38, 1-based): chr5:128,538,300, G>C on the plus strand (C>G on the coding strand, the complement: FBN2 is on the minus strand). VCF-style: chr5-128538300-G-C. GRCh37 (hg19) VCF-style: chr5-127873993-G-C.
Identifiers: ClinVar variation 683521 (VCV000683521.3), dbSNP rs141359565, ClinGen allele CA127060158.

ClinVar aggregate classification (germline): Benign (1 of 4 stars; one submission).

Allele frequency attached by ClinVar (database versions not stated): gnomAD exomes 0.06414; 1000 Genomes Project 30x 0.10728; gnomAD 0.12056 and 0.12296; TOPMed 0.12153; 1000 Genomes Project 0.10723.

Submission:

GeneDx
Classification: Benign. Last evaluated: 2018-06-18. Review status: criteria provided, single submitter. Criteria: GeneDx Variant Classification (06012015). Collection method: clinical testing. Allele origin: germline. Affected: yes.
Comment: This variant is considered likely benign or benign based on one or more of the following criteria: it is a conservative change, it occurs at a poorly conserved position in the protein, it is predicted to be benign by multiple in silico algorithms, and/or has population frequency not consistent with disease.